The following is an entry in ClinVar:

NM_138615.3(DHX30):c.952G>A (p.Val318Met)

Gene: DHX30 (DExH-box helicase 30; plus strand). Cytogenetic location: 3p21.31.
Variant type: single nucleotide variant.
Coding change: c.952G>A on transcript NM_138615.3 (MANE Select); coding-DNA position 952, G replaced by A.
Protein change: p.Val318Met; replaces valine 318 with methionine.
Molecular consequence: missense variant.
Genome position (GRCh38, 1-based): chr3:47,845,712, G>A. VCF-style: chr3-47845712-G-A. GRCh37 (hg19) VCF-style: chr3-47887202-G-A.
Other names: c.868G>A, p.Val290Met (NM_001330990.2); c.835G>A, p.Val279Met (NM_014966.4); short protein forms V279M, V290M, V318M.
Identifiers: ClinVar variation 1690981 (VCV001690981.2), dbSNP rs1271104850, ClinGen allele CA352585313.

ClinVar aggregate classification (germline): Uncertain significance (1 of 4 stars; one submission).

Allele frequency attached by ClinVar (database versions not stated): gnomAD exomes below 0.00001; TOPMed 0.00002.
gnomAD v4.1: 3 of 1,601,198 alleles (0.00019%); highest among the groups gnomAD compares: Non-Finnish European, 0.000085%; no homozygotes.

Submission:

Laboratorio de Genetica e Diagnostico Molecular, Hospital Israelita Albert Einstein
Classification: Uncertain significance. Last evaluated: 2020-12-07. Review status: criteria provided, single submitter. Criteria: ACMG Guidelines, 2015. Collection method: clinical testing. Allele origin: germline. Affected: yes.
Comment: ACMG classification criteria: PM2, BP4